The following is an entry in ClinVar:

ClinVar aggregate classification (germline): Uncertain significance (1 of 4 stars; one submission).

Allele frequency attached by ClinVar (database versions not stated): gnomAD exomes 0.00001.

Submission:

Labcorp Genetics (formerly Invitae), Labcorp
Classification: Uncertain significance. Last evaluated: 2023-12-04. Review status: criteria provided, single submitter. Criteria: Invitae Variant Classification Sherloc (09022015). Collection method: clinical testing. Allele origin: germline.
Comment: This sequence change replaces glycine, which is neutral and non-polar, with arginine, which is basic and polar, at codon 217 of the COL9A3 protein (p.Gly217Arg). This variant is not present in population databases (gnomAD no frequency). This variant has not been reported in the literature in individuals affected with COL9A3-related conditions. Advanced modeling of protein sequence and biophysical properties (such as structural, functional, and spatial information, amino acid conservation, physicochemical variation, residue mobility, and thermodynamic stability) performed at Invitae indicates that this missense variant is expected to disrupt COL9A3 protein function with a positive predictive value of 95%. In summary, the available evidence is currently insufficient to determine the role of this variant in disease. Therefore, it has been classified as a Variant of Uncertain Significance.

NM_001853.4(COL9A3):c.649G>C (p.Gly217Arg)

Gene: COL9A3 (collagen type IX alpha 3 chain; plus strand). Cytogenetic location: 20q13.33.
Variant type: single nucleotide variant.
Coding change: c.649G>C on transcript NM_001853.4 (MANE Select); coding-DNA position 649, G replaced by C.
Protein change: p.Gly217Arg; replaces glycine 217 with arginine.
Molecular consequence: missense variant.
Genome position (GRCh38, 1-based): chr20:62,825,835, G>C. VCF-style: chr20-62825835-G-C. GRCh37 (hg19) VCF-style: chr20-61457187-G-C.
Other names: short protein forms G217R.
Identifiers: ClinVar variation 2954796 (VCV002954796.3), dbSNP rs777119839, ClinGen allele CA9949419.